The following is an entry in ClinVar:

NM_001267550.2(TTN):c.33445C>T (p.Pro11149Ser)

Gene: TTN (titin; minus strand). Cytogenetic location: 2q31.2.
Variant type: single nucleotide variant.
Coding change: c.33445C>T on transcript NM_001267550.2 (MANE Select); coding-DNA position 33445, C replaced by T.
Protein change: p.Pro11149Ser; replaces proline 11149 with serine.
Molecular consequence: missense variant. On other transcripts: intron variant (3).
Genome position (GRCh38, 1-based): chr2:178,680,029, G>A on the plus strand (C>T on the coding strand, the complement: TTN is on the minus strand). VCF-style: chr2-178680029-G-A. GRCh37 (hg19) VCF-style: chr2-179544756-G-A.
Other names: p.P10832S:CCA>TCA; c.13283-37712C>T (NM_003319.4); c.13859-37712C>T (NM_133437.4); c.13658-37712C>T (NM_133432.3); c.32494C>T, p.Pro10832Ser (NM_001256850.1); c.29713C>T, p.Pro9905Ser (NM_133378.4); short protein forms P10832S, P11149S, P9905S.
Identifiers: ClinVar variation 202581 (VCV000202581.13), dbSNP rs377760800, ClinGen allele CA309655.

ClinVar aggregate classification (germline): Uncertain significance. Review status: criteria provided, multiple submitters, no conflicts (2 of 4 stars). 6 submissions from 6 submitters: Uncertain significance (6). Last evaluated 2025-10-13.

Conditions:
Dilated cardiomyopathy 1G (CMD1G). Identifiers: Orphanet 154, MedGen C1858763, MONDO:0011400, OMIM 604145.
Autosomal recessive limb-girdle muscular dystrophy type 2J (LGMDR10). Also called: MUSCULAR DYSTROPHY, LIMB-GIRDLE, AUTOSOMAL RECESSIVE 10; Limb-girdle muscular dystrophy, type 2J. Identifiers: Orphanet 140922, MedGen C1837342, MONDO:0012127, OMIM 608807.
Myopathy, myofibrillar, 9, with early respiratory failure (MFM9). Also called: EDSTROM MYOPATHY; MYOPATHY, PROXIMAL, WITH EARLY RESPIRATORY MUSCLE INVOLVEMENT; Myopathy, distal, with early respiratory failure, autosomal dominant; Hereditary myopathy with early respiratory failure. Identifiers: Orphanet 178464, Orphanet 34521, MedGen C1863599, MONDO:0011362, OMIM 603689.
Early-onset myopathy with fatal cardiomyopathy (CMYO5). Also called: CONGENITAL MYOPATHY 5 WITH CARDIOMYOPATHY; Salih Myopathy. Identifiers: Orphanet 289377, MedGen C2673677, MONDO:0012714, OMIM 611705. Disease mechanism: loss of function.
Hypertrophic cardiomyopathy 9. Also called: Familial hypertrophic cardiomyopathy 9. Identifiers: MedGen C1861065, MONDO:0013412, OMIM 613765.
Tibial muscular dystrophy (TMD). Also called: UDD MYOPATHY; Tibial muscular dystrophy, tardive; Udd Distal Myopathy – Tibial Muscular Dystrophy. Identifiers: Orphanet 609, MedGen C1838244, MONDO:0010870, OMIM 600334.

Allele frequency attached by ClinVar (database versions not stated): TOPMed below 0.00001; gnomAD exomes 0.00001; ExAC 0.00002; ESP Exome Variant Server 0.00008.
gnomAD v4.1: 9 of 1,613,076 alleles (0.00056%); highest among the groups gnomAD compares: Non-Finnish European, 0.00068%; no homozygotes.

Submissions (6):

Women's Health and Genetics/Laboratory Corporation of America, LabCorp
Classification: Uncertain significance. Last evaluated: 2025-10-13. Review status: criteria provided, single submitter. Criteria: LabCorp Variant Classification Summary - May 2015. Collection method: clinical testing. Allele origin: germline.

Department of Pathology and Laboratory Medicine, Sinai Health System
Classification: Uncertain significance for Tibial muscular dystrophy; Myopathy, myofibrillar, 9, with early respiratory failure; Dilated cardiomyopathy 1G; Autosomal recessive limb-girdle muscular dystrophy type 2J; Early-onset myopathy with fatal cardiomyopathy; Hypertrophic cardiomyopathy 9. Last evaluated: 2022-11-07. Review status: criteria provided, single submitter. Criteria: ACMG Guidelines, 2015. Collection method: research. Allele origin: germline.

Revvity Omics, Revvity
Classification: Uncertain significance. Last evaluated: 2019-08-29. Review status: criteria provided, single submitter. Criteria: ACMG Guidelines, 2015. Collection method: clinical testing. Allele origin: germline.

Labcorp Genetics (formerly Invitae), Labcorp
Classification: Uncertain significance for Dilated cardiomyopathy 1G; Autosomal recessive limb-girdle muscular dystrophy type 2J. Last evaluated: 2017-07-10. Review status: criteria provided, single submitter. Criteria: Invitae Variant Classification Sherloc (09022015). Collection method: clinical testing. Allele origin: germline.

Laboratory for Molecular Medicine, Mass General Brigham Personalized Medicine
Classification: Uncertain significance. Last evaluated: 2015-10-26. Review status: criteria provided, single submitter. Criteria: LMM Criteria. Collection method: clinical testing. Allele origin: germline. Observed: 1 variant allele.
Comment: The p.Pro9905Ser variant in TTN has not been previously reported in individuals with cardiomyopathy, but has been identified in 2/66520 European chromosomes by the Exome Aggregation Consortium (ExAC; dbSNP rs 377760800). Computational prediction tools and conservation analysis suggest tha t the p.Pro9905Ser variant may not impact the protein, though this information i s not predictive enough to rule out pathogenicity. In summary, the clinical sign ificance of the p.Pro9905Ser variant is uncertain.

GeneDx
Classification: Uncertain significance. Last evaluated: 2014-01-23. Review status: criteria provided, single submitter. Criteria: GeneDx Variant Classification (06012015). Collection method: clinical testing. Allele origin: germline. Affected: yes.
Comment: Missense variants in the TTN gene are considered 'unclassified' if they are not previously reported in the literature and do not have >1% frequency in the population to be considered a polymorphism. Research indicates that truncating mutations in the TTN gene are expected to account for approximately 25% of familial and 18% of sporadic idiopathic DCM; however, truncating variants in the TTN gene have been reported in approximately 3% of reported control alleles. There has been little investigation into non-truncating variants. (Herman D et al. Truncations of titin causing dilated cardiomyopathy. N Eng J Med 366:619-628, 2012) The variant is found in DCM-CRDM panel(s).